The following is an entry in ClinVar:

ClinVar aggregate classification (germline): Uncertain significance. Review status: criteria provided, multiple submitters, no conflicts (2 of 4 stars). 3 submissions from 3 submitters: Uncertain significance (3). Last evaluated 2026-02-16.

Conditions:
Autoinflammatory syndrome. Identifiers: Orphanet 93665, MedGen C3890737, MONDO:0019751.
Familial hemophagocytic lymphohistiocytosis 2 (FHL2). Also called: PRF1-Related Familial Hemophagocytic Lymphohistiocytosis (PRF1-fHLH). Identifiers: Orphanet 540, MedGen C1863727, MONDO:0011337, OMIM 603553.

Submissions (3):

Women's Health and Genetics/Laboratory Corporation of America, LabCorp
Classification: Uncertain significance. Last evaluated: 2026-02-16. Review status: criteria provided, single submitter. Criteria: LabCorp Variant Classification Summary - May 2015. Collection method: clinical testing. Allele origin: germline.
Comment: Variant summary: PRF1 c.481A>G (p.Lys161Glu) results in a conservative amino acid change in the encoded protein sequence. Algorithms developed to predict the effect of missense changes on protein structure and function are either unavailable or do not agree on the potential impact of this missense change. The variant was absent in 251420 control chromosomes (gnomAD). The available data on variant occurrences in the general population are insufficient to allow any conclusion about variant significance. c.481A>G has been observed in at least one individual affected with Familial Hemophagocytic Lymphohistiocytosis (Blincoe_2020). These data do not allow any conclusion about variant significance. To our knowledge, no experimental evidence demonstrating an impact on protein function has been reported. The following publication have been ascertained in the context of this evaluation (PMID: 32638196). ClinVar contains an entry for this variant (Variation ID: 1694130). Based on the evidence outlined above, the variant was classified as uncertain significance.

Labcorp Genetics (formerly Invitae), Labcorp
Classification: Uncertain significance for Familial hemophagocytic lymphohistiocytosis 2. Last evaluated: 2022-02-20. Review status: criteria provided, single submitter. Criteria: Invitae Variant Classification Sherloc (09022015). Collection method: clinical testing. Allele origin: germline.
Comment: Algorithms developed to predict the effect of missense changes on protein structure and function are either unavailable or do not agree on the potential impact of this missense change (SIFT: "Deleterious"; PolyPhen-2: "Probably Damaging"; Align-GVGD: "Class C0"). In summary, the available evidence is currently insufficient to determine the role of this variant in disease. Therefore, it has been classified as a Variant of Uncertain Significance. This missense change has been observed in individual(s) with familial hemophagocytic lymphohistiocytosis (PMID: 32638196). This variant is not present in population databases (gnomAD no frequency). This sequence change replaces lysine, which is basic and polar, with glutamic acid, which is acidic and polar, at codon 161 of the PRF1 protein (p.Lys161Glu).

Genome Diagnostics Laboratory, The Hospital for Sick Children
Classification: Uncertain significance for Autoinflammatory syndrome. Last evaluated: 2018-04-01. Review status: criteria provided, single submitter. Criteria: ACMG Guidelines, 2015. Collection method: clinical testing. Allele origin: germline. Affected: yes.

Literature cited by the submitters: PubMed 32638196 (cited by Women's Health and Genetics/Laboratory Corporation of America, LabCorp and Labcorp Genetics (formerly Invitae), Labcorp).

NM_001083116.3(PRF1):c.481A>G (p.Lys161Glu)

Gene: PRF1 (perforin 1; minus strand). Cytogenetic location: 10q22.1.
Variant type: single nucleotide variant.
Coding change: c.481A>G on transcript NM_001083116.3 (MANE Select); coding-DNA position 481, A replaced by G.
Protein change: p.Lys161Glu; replaces lysine 161 with glutamic acid.
Molecular consequence: missense variant.
Genome position (GRCh38, 1-based): chr10:70,600,422, T>C on the plus strand (A>G on the coding strand, the complement: PRF1 is on the minus strand). VCF-style: chr10-70600422-T-C. GRCh37 (hg19) VCF-style: chr10-72360178-T-C.
Other names: c.481A>G, p.Lys161Glu (NM_005041.6); short protein forms K161E.
Identifiers: ClinVar variation 1694130 (VCV001694130.9), dbSNP rs1589233127, ClinGen allele CA376959335.